The following is an entry in ClinVar:

NM_017514.5(PLXNA3):c.2012C>T (p.Ser671Phe)

Gene: PLXNA3 (plexin A3; plus strand). Cytogenetic location: Xq28.
Variant type: single nucleotide variant.
Coding change: c.2012C>T on transcript NM_017514.5 (MANE Select); coding-DNA position 2012, C replaced by T.
Protein change: p.Ser671Phe; replaces serine 671 with phenylalanine.
Molecular consequence: missense variant.
Genome position (GRCh38, 1-based): chrX:154,464,837, C>T. VCF-style: chrX-154464837-C-T. GRCh37 (hg19) VCF-style: chrX-153693180-C-T.
Other names: short protein forms S671F.
Identifiers: ClinVar variation 2361039 (VCV002361039.4), dbSNP rs148224862, ClinGen allele CA10564243.

ClinVar aggregate classification (germline): Uncertain significance. Review status: criteria provided, single submitter (1 of 4 stars). 2 submissions from 2 submitters: Uncertain significance (1). 1 of the submissions does not count toward it. Last evaluated 2025-01-18.

Conditions:
PLXNA3-related disorder. Also called: PLXNA3-related condition.

Allele frequency attached by ClinVar (database versions not stated): ExAC 0.00009; ESP Exome Variant Server 0.00009; gnomAD 0.00009; TOPMed 0.00012; 1000 Genomes Project 30x 0.00021; 1000 Genomes Project 0.00026.
gnomAD v4.1: 14 of 1,204,796 alleles (0.0012%); highest among the groups gnomAD compares: African/African-American, 0.021%; no homozygotes.

Submissions (2):

Ambry Genetics
Classification: Uncertain significance. Last evaluated: 2025-01-18. Review status: criteria provided, single submitter. Criteria: Ambry Variant Classification Scheme 2023. Collection method: clinical testing. Allele origin: germline.

PreventionGenetics, part of Exact Sciences
Classification: Uncertain significance for PLXNA3-related condition. Last evaluated: 2024-08-19. Review status: no assertion criteria provided. Collection method: clinical testing. Allele origin: germline. Not counted in ClinVar's aggregate classification.
Comment: The PLXNA3 c.2012C>T variant is predicted to result in the amino acid substitution p.Ser671Phe. To our knowledge, this variant has not been reported in the literature. This variant is reported in 0.033% of alleles in individuals of African descent in gnomAD, including two hemizygous individuals. At this time, the clinical significance of this variant is uncertain due to the absence of conclusive functional and genetic evidence.